The following is an entry in ClinVar:

NM_018075.5(ANO10):c.2T>C (p.Met1Thr)

Gene: ANO10 (anoctamin 10; minus strand). Cytogenetic location: 3p21.33.
Variant type: single nucleotide variant.
Coding change: c.2T>C on transcript NM_018075.5 (MANE Select); coding-DNA position 2, T replaced by C.
Protein change: p.Met1Thr; changes the start codon (methionine 1).
Molecular consequence: missense variant, initiator codon variant.
Genome position (GRCh38, 1-based): chr3:43,605,851, A>G on the plus strand (T>C on the coding strand, the complement: ANO10 is on the minus strand). VCF-style: chr3-43605851-A-G. GRCh37 (hg19) VCF-style: chr3-43647343-A-G.
Other names: c.2T>C, p.Met1Thr (NM_001204831.3, NM_001204832.3, NM_001204833.3 and 8 more transcripts); short protein forms M1T.
Identifiers: ClinVar variation 373298 (VCV000373298.8), dbSNP rs531656357, ClinGen allele CA16042500.

ClinVar aggregate classification (germline): Conflicting classifications of pathogenicity. Review status: criteria provided, conflicting classifications (1 of 4 stars). 5 submissions from 5 submitters: Pathogenic (1); Likely pathogenic (2); Uncertain significance (2). Last evaluated 2025-11-10.

Conditions:
Autosomal recessive spinocerebellar ataxia 10. Identifiers: Orphanet 284289, MedGen C3150998, MONDO:0013392, OMIM 613728.

Allele frequency attached by ClinVar (database versions not stated): TOPMed 0.00002; 1000 Genomes Project 30x 0.00016; gnomAD 0.00001; gnomAD exomes 0.00002; 1000 Genomes Project 0.00020.

Submissions (5):

Dasa
Classification: Uncertain significance. Last evaluated: 2025-11-10. Review status: criteria provided, single submitter. Criteria: DASA Assertion Criteria. Collection method: clinical testing. Allele origin: germline.
Comment: NM_018075.5(ANO10):c.2T>C (p.Met1?) is a start-loss variant predicted to alter the translation initiation codon and impair normal protein translation. This variant is rare in population databases. The currently available literature and clinical evidence are not sufficient to establish a definitive association between this variant and the reported condition. Therefore, this variant is classified as a variant of uncertain significance.

Laboratorio de Genetica e Diagnostico Molecular, Hospital Israelita Albert Einstein
Classification: Uncertain significance for Autosomal recessive spinocerebellar ataxia 10. Last evaluated: 2025-04-04. Review status: criteria provided, single submitter. Criteria: ACMG Guidelines, 2015. Collection method: clinical testing. Allele origin: germline. Affected: yes.
Comment: ACMG classification criteria: PVS1 moderate, PM2 supporting

Fulgent Genetics
Classification: Likely pathogenic for Autosomal recessive spinocerebellar ataxia 10. Last evaluated: 2024-05-31. Review status: criteria provided, single submitter. Criteria: ACMG Guidelines, 2015. Collection method: clinical testing. Allele origin: germline.

Athena Diagnostics
Classification: Likely pathogenic. Last evaluated: 2018-03-13. Review status: criteria provided, single submitter. Criteria: Athena Diagnostics Criteria. Collection method: clinical testing. Allele origin: germline.

GeneDx
Classification: Pathogenic. Last evaluated: 2016-11-30. Review status: criteria provided, single submitter. Criteria: GeneDx Variant Classification (06012015). Collection method: clinical testing. Allele origin: germline. Affected: yes.
Comment: The c.2 T>C variant in the ANO10 gene has not been reported previously as a pathogenic variant nor as a benign variant, to our knowledge. As this variant changes the translation initiator Methionine codon, the resultant protein is described as p.Met1?, using a question mark to signify that it is not known if the loss of Met1 means that all protein translation is completely prevented or if an abnormal protein is produced using an alternate Methionine. The c.2 T>C variant was not observed in approximately 6500 individuals of European and African American ancestry in the NHLBI Exome Sequencing Project, indicating it is not a common benign variant in these populations. We interpret c.2 T>C as a pathogenic variant.